The following is an entry in ClinVar:

NM_002693.3(POLG):c.2605C>T (p.Arg869Ter)

Gene: POLG (DNA polymerase gamma, catalytic subunit; minus strand). Cytogenetic location: 15q26.1.
Variant type: single nucleotide variant.
Coding change: c.2605C>T on transcript NM_002693.3 (MANE Select); coding-DNA position 2605, C replaced by T.
Protein change: p.Arg869Ter; replaces arginine 869 with a stop codon.
Molecular consequence: nonsense.
Genome position (GRCh38, 1-based): chr15:89,321,254, G>A on the plus strand (C>T on the coding strand, the complement: POLG is on the minus strand). VCF-style: chr15-89321254-G-A. GRCh37 (hg19) VCF-style: chr15-89864485-G-A.
Other names: c.2605C>T, p.Arg869Ter (NM_001126131.2); short protein forms R869*.
Identifiers: ClinVar variation 444352 (VCV000444352.53), dbSNP rs751376824, ClinGen allele CA7724393.
Genomic context (GRCh38, chr15:89,321,254, plus strand): 5'-CACCCACAAGGGTGTAGCCAGGTGGGGCCTGCACCATGGCTTTCAACTCACTGCCTACTC[G>A]GTCAGGCTGTGGGAAGAGTGAGATACCCAAATGAGACTCTTCCTACCCCATTCCTGGAGC-3'

ClinVar aggregate classification (germline): Pathogenic/Likely pathogenic. Review status: criteria provided, multiple submitters, no conflicts (2 of 4 stars). 6 submissions from 6 submitters: Pathogenic (5); Likely pathogenic (1). Last evaluated 2024-11-22.

Conditions:
Progressive sclerosing poliodystrophy (MTDPS4A). Also called: ALPERS PROGRESSIVE INFANTILE POLIODYSTROPHY; Mitochondrial DNA depletion syndrome 4A (Alpers type); Alpers Syndrome; NEURONAL DEGENERATION OF CHILDHOOD WITH LIVER DISEASE, PROGRESSIVE; ALPERS DIFFUSE DEGENERATION OF CEREBRAL GRAY MATTER WITH HEPATIC CIRRHOSIS; Alpers-Huttenlocher Syndrome. Identifiers: Orphanet 726, MedGen C0205710, MONDO:0008758, OMIM 203700.
POLG-related disorder. Also called: POLG-related condition; POLG-Related Disorders; POLG-Related Spectrum Disorders. Identifiers: MedGen C4763519.
Progressive external ophthalmoplegia with mitochondrial DNA deletions, autosomal dominant 1 (PEOA1). Also called: PROGRESSIVE EXTERNAL OPHTHALMOPLEGIA, AUTOSOMAL DOMINANT 1; Autosomal Dominant Progressive External Ophthalmoplegia (adPEO). Identifiers: MedGen C1834846, MONDO:0024528, OMIM 157640.
Progressive external ophthalmoplegia with mitochondrial DNA deletions, autosomal recessive 1 (PEOB1). Also called: Autosomal Recessive Progressive External Ophthalmoplegia (arPEO); Progressive external ophthalmoplegia, autosomal recessive 1. Identifiers: Orphanet 254886, MedGen C4225153, MONDO:0009783, OMIM 258450.
Sensory ataxic neuropathy, dysarthria, and ophthalmoparesis (SANDO). Also called: SENSORY ATAXIC NEUROPATHY WITH MITOCHONDRIAL DNA DELETIONS, AUTOSOMAL RECESSIVE; Epilepsy, progressive myoclonic, type 5; Sensory ataxic neuropathy-dysarthria-ophthalmoparesis syndrome; Ataxia Neuropathy Spectrum (ANS). Identifiers: Orphanet 70595, MedGen C1843851, MONDO:0011835, OMIM 607459.
Mitochondrial DNA depletion syndrome 4b. Also called: MNGIE, POLG-RELATED; Mitochondrial Neurogastrointestinal Encephalopathy Disease, POLG-Related. Identifiers: Orphanet 298, MedGen C3150914, MONDO:0013350, OMIM 613662.

Allele frequency attached by ClinVar (database versions not stated): gnomAD exomes below 0.00001; ExAC 0.00001.
gnomAD v4.1: 6 of 1,613,944 alleles (0.00037%); highest among the groups gnomAD compares: South Asian, 0.0022%; no homozygotes.

Submissions (6):

GeneDx
Classification: Pathogenic. Last evaluated: 2024-11-22. Review status: criteria provided, single submitter. Criteria: GeneDx Variant Classification Process June 2021. Collection method: clinical testing. Allele origin: germline. Affected: yes.
Comment: Nonsense variant predicted to result in protein truncation or nonsense mediated decay in a gene for which loss of function is a known mechanism of disease; Not observed at significant frequency in large population cohorts (gnomAD); This variant is associated with the following publications: (PMID: 26077851, 30423451, 30509056)

Myriad Genetics, Inc.
Classification: Pathogenic for POLG-related disorder. Last evaluated: 2024-06-09. Review status: criteria provided, single submitter. Criteria: Myriad Autosomal Dominant, Autosomal Recessive and X-Linked Classification Criteria (2023). Collection method: clinical testing. Allele origin: unknown.
Comment: NM_002693.2(POLG):c.2605C>T(R869*) is expected to be pathogenic in the context of POLG-related disorders. This variant is predicted to lead to an abnormal or absent protein product due to the creation of a premature termination codon in POLG, a gene where loss-of-function variants are known to be pathogenic. Please note: this variant was assessed in the context of healthy population screening.

Fulgent Genetics
Classification: Pathogenic for Progressive external ophthalmoplegia with mitochondrial DNA deletions, autosomal dominant 1; Progressive sclerosing poliodystrophy; Progressive external ophthalmoplegia with mitochondrial DNA deletions, autosomal recessive 1; Sensory ataxic neuropathy, dysarthria, and ophthalmoparesis; Mitochondrial DNA depletion syndrome 4b. Last evaluated: 2024-04-08. Review status: criteria provided, single submitter. Criteria: ACMG Guidelines, 2015. Collection method: clinical testing. Allele origin: germline.

Labcorp Genetics (formerly Invitae), Labcorp
Classification: Pathogenic for Progressive sclerosing poliodystrophy. Last evaluated: 2024-01-07. Review status: criteria provided, single submitter. Criteria: Invitae Variant Classification Sherloc (09022015). Collection method: clinical testing. Allele origin: germline.
Comment: This sequence change creates a premature translational stop signal (p.Arg869*) in the POLG gene. It is expected to result in an absent or disrupted protein product. Loss-of-function variants in POLG are known to be pathogenic (PMID: 18546365). The frequency data for this variant in the population databases is considered unreliable, as metrics indicate poor data quality at this position in the gnomAD database. This premature translational stop signal has been observed in individual(s) with Alpers syndrome (PMID: 26077851). In at least one individual the data is consistent with being in trans (on the opposite chromosome) from a pathogenic variant. This variant is also known as c.2604C>T (p.Arg869Ter). ClinVar contains an entry for this variant (Variation ID: 444352). For these reasons, this variant has been classified as Pathogenic.

Baylor Genetics
Classification: Pathogenic for Progressive sclerosing poliodystrophy. Last evaluated: 2023-09-19. Review status: criteria provided, single submitter. Criteria: ACMG Guidelines, 2015. Collection method: clinical testing. Allele origin: unknown.

CeGaT Center for Human Genetics Tuebingen
Classification: Likely pathogenic. Last evaluated: 2017-02-01. Review status: criteria provided, single submitter. Criteria: CeGaT Center For Human Genetics Tuebingen Variant Classification Criteria Version 2. Collection method: clinical testing. Allele origin: germline. Affected: yes. Observed: 1 variant allele.

Literature cited by the submitters: PubMed 18546365 (cited by Labcorp Genetics (formerly Invitae), Labcorp); PubMed 26077851 (cited by Labcorp Genetics (formerly Invitae), Labcorp).